The following is an entry in ClinVar:

ClinVar aggregate classification (germline): Pathogenic (1 of 4 stars; one submission).

Submission:

GeneDx
Classification: Pathogenic. Last evaluated: 2018-01-04. Review status: criteria provided, single submitter. Criteria: GeneDx Variant Classification (06012015). Collection method: clinical testing. Allele origin: germline. Affected: yes.
Comment: The E69X variant in the BLM gene has not been reported previously as a pathogenic variant nor as a benign variant, to our knowledge. This variant is predicted to cause loss of normal protein function either through protein truncation or nonsense-mediated mRNA decay. The E69X variant is not observed in large population cohorts (Lek et al., 2016). We interpret E69X as a pathogenic variant.

NM_000057.4(BLM):c.205G>T (p.Glu69Ter)

Gene: BLM (BLM RecQ like helicase; plus strand). Cytogenetic location: 15q26.1.
Variant type: single nucleotide variant.
Coding change: c.205G>T on transcript NM_000057.4 (MANE Select); coding-DNA position 205, G replaced by T.
Protein change: p.Glu69Ter; replaces glutamic acid 69 with a stop codon.
Molecular consequence: nonsense. On other transcripts: 5 prime UTR variant (1).
Genome position (GRCh38, 1-based): chr15:90,749,473, G>T. VCF-style: chr15-90749473-G-T. GRCh37 (hg19) VCF-style: chr15-91292703-G-T.
Other names: c.205G>T (LRG_20t1); c.205G>T, p.Glu69Ter (NM_001287246.2, NM_001287247.2); c.-1087G>T (NM_001287248.2); short protein forms E69*.
Identifiers: ClinVar variation 489300 (VCV000489300.2), dbSNP rs746195311, ClinGen allele CA393839723.